The following is an entry in ClinVar:

ClinVar aggregate classification (germline): Likely pathogenic (1 of 4 stars; one submission).

Conditions:
Meckel-Gruber syndrome. Also called: DYSENCEPHALIA SPLANCHNOCYSTICA; GRUBER SYNDROME; Dysencephalia splachnocystica. Identifiers: Orphanet 564, MedGen C0265215, MONDO:0018921.
Joubert syndrome. Also called: CEREBELLOPARENCHYMAL DISORDER IV; JOUBERT-BOLTSHAUSER SYNDROME; Familial aplasia of the vermis. Identifiers: Orphanet 475, MedGen C5979921, MONDO:0018772.

gnomAD v4.1: 1 of 1,612,678 alleles (0.000062%); highest among the groups gnomAD compares: South Asian, 0.0011%; no homozygotes.

Submission:

Labcorp Genetics (formerly Invitae), Labcorp
Classification: Likely pathogenic for Joubert syndrome; Meckel-Gruber syndrome. Last evaluated: 2023-10-22. Review status: criteria provided, single submitter. Criteria: Invitae Variant Classification Sherloc (09022015). Collection method: clinical testing. Allele origin: germline.
Comment: This sequence change affects a donor splice site in intron 6 of the RPGRIP1L gene. It is expected to disrupt RNA splicing. Variants that disrupt the donor or acceptor splice site typically lead to a loss of protein function (PMID: 16199547), and loss-of-function variants in RPGRIP1L are known to be pathogenic (PMID: 17558409). This variant is not present in population databases (gnomAD no frequency). This variant has not been reported in the literature in individuals affected with RPGRIP1L-related conditions. ClinVar contains an entry for this variant (Variation ID: 1492308). Algorithms developed to predict the effect of sequence changes on RNA splicing suggest that this variant may disrupt the consensus splice site. In summary, the currently available evidence indicates that the variant is pathogenic, but additional data are needed to prove that conclusively. Therefore, this variant has been classified as Likely Pathogenic.

Literature cited by the submitters: PubMed 16199547; PubMed 17558409.

NM_015272.5(RPGRIP1L):c.776+2T>C

Gene: RPGRIP1L (RPGRIP1 like; minus strand). Cytogenetic location: 16q12.2.
Variant type: single nucleotide variant.
Coding change: c.776+2T>C on transcript NM_015272.5 (MANE Select); the canonical splice donor site of the intron after coding-DNA position 776, T replaced by C.
Molecular consequence: splice donor variant.
Genome position (GRCh38, 1-based): chr16:53,686,431, A>G on the plus strand (T>C on the coding strand, the complement: RPGRIP1L is on the minus strand). VCF-style: chr16-53686431-A-G. GRCh37 (hg19) VCF-style: chr16-53720343-A-G.
Other names: c.776+2T>C (NM_001127897.4, NM_001330538.2, NM_001308334.3).
Identifiers: ClinVar variation 1492308 (VCV001492308.6), dbSNP rs2151317483, ClinGen allele CA395923722.